The following is an entry in ClinVar:

NM_000311.5(PRNP):c.228_251del (p.60PHGGGWGQ[3])

Gene: PRNP (prion protein (Kanno blood group); plus strand). Cytogenetic location: 20p13.
Variant type: Deletion.
Coding change: c.228_251del on transcript NM_000311.5 (MANE Select); coding-DNA positions 228 to 251, 24 bases deleted (CCATGGTGGTGGCTGGGGACAGCC).
Protein change: p.60PHGGGWGQ[3].
Molecular consequence: inframe deletion.
Genome position (GRCh38, 1-based): chr20:4,699,448-4,699,471, CCATGGTGGTGGCTGGGGACAGCC deleted; deleting any 24 consecutive bases within chr20:4,699,443-4,699,471 gives the same sequence; the c. name uses the placement nearest the transcript's 3' end. VCF-style (leftmost placement, unchanged base first): chr20-4699442-GCAGCCCCATGGTGGTGGCTGGGGA-G. GRCh37 (hg19) VCF-style: chr20-4680088-GCAGCCCCATGGTGGTGGCTGGGGA-G.
Other names: p.Pro84_Gln91del; c.228_251del, p.60PHGGGWGQ[3] (NM_001080121.3, NM_001080122.3, NM_001080123.3 and 1 more transcripts); c.139_162del, p.Pro47_Ala54del (NM_001271561.3).
Identifiers: ClinVar variation 1617003 (VCV001617003.32), dbSNP rs765275434, ClinGen allele CA509567202.
Genomic context (GRCh38, chr20:4,699,442, plus strand): 5'-TGGTGGCTGGGGGCAGCCTCATGGTGGTGGCTGGGGGCAGCCTCATGGTGGTGGCTGGGG[GCAGCCCCATGGTGGTGGCTGGGGA>G]CAGCCTCATGGTGGTGGCTGGGGTCAAGGAGGTGGCACCCACAGTCAGTGGAACAAGCCG-3'

ClinVar aggregate classification (germline): Benign/Likely benign. Review status: criteria provided, multiple submitters, no conflicts (2 of 4 stars). 4 submissions from 4 submitters: Benign (1); Likely benign (3). Last evaluated 2024-11-18.

Conditions:
Huntington disease-like 1 (HDL1). Also called: HUNTINGTON-LIKE NEURODEGENERATIVE DISORDER 1; HUNTINGTON-LIKE NEURODEGENERATIVE DISORDER, AUTOSOMAL DOMINANT; PRION DISEASE, EARLY-ONSET, WITH PROMINENT PSYCHIATRIC FEATURES. Identifiers: Orphanet 157941, MedGen C1864112, MONDO:0011299, OMIM 603218.

Submissions (4):

Blueprint Genetics
Classification: Likely benign. Last evaluated: 2024-11-18. Review status: criteria provided, single submitter. Criteria: ACMG Guidelines, 2015. Collection method: clinical testing. Allele origin: germline.

Labcorp Genetics (formerly Invitae), Labcorp
Classification: Likely benign for Huntington disease-like 1. Last evaluated: 2024-05-20. Review status: criteria provided, single submitter. Criteria: Invitae Variant Classification Sherloc (09022015). Collection method: clinical testing. Allele origin: germline.

CeGaT Center for Human Genetics Tuebingen
Classification: Likely benign. Last evaluated: 2024-01-01. Review status: criteria provided, single submitter. Criteria: CeGaT Center For Human Genetics Tuebingen Variant Classification Criteria Version 2. Collection method: clinical testing. Allele origin: germline. Affected: yes. Observed: 1 variant allele.
Comment: PRNP: BS1

Mayo Clinic Laboratories, Mayo Clinic
Classification: Benign. Last evaluated: 2023-10-17. Review status: criteria provided, single submitter. Criteria: ACMG Guidelines, 2015. Collection method: clinical testing. Allele origin: germline. Observed: 3 variant alleles.
Comment: BS1, BS2

Literature cited by the submitters: PubMed 27793473 (cited by Mayo Clinic Laboratories, Mayo Clinic).